The following is an entry in ClinVar:

ClinVar aggregate classification (germline): Benign/Likely benign. Review status: criteria provided, multiple submitters, no conflicts (2 of 4 stars). 5 submissions from 5 submitters: Benign (1); Likely benign (3). 1 of the submissions does not count toward it. Last evaluated 2025-12-29.

Conditions:
Symmetrical dyschromatosis of extremities (DSH). Also called: RETICULATE ACROPIGMENTATION OF DOHI; SYMMETRIC DYSCHROMATOSIS OF THE EXTREMITIES; DYSCHROMATOSIS SYMMETRICA HEREDITARIA 1; Dyschromatosis symmetrica hereditaria. Identifiers: Orphanet 41, MedGen C0406775, MONDO:0007483, OMIM 127400.
Aicardi-Goutieres syndrome 6 (AGS6). Identifiers: Orphanet 51, MedGen C3539013, MONDO:0014007, OMIM 615010.
ADAR-related disorder. Also called: ADAR-related condition; ADAR-related disorders.

Allele frequency attached by ClinVar (database versions not stated): gnomAD exomes 0.00003 and 0.00004; TOPMed 0.00003; gnomAD 0.00004; ExAC 0.00005.
gnomAD v4.1: 56 of 1,613,962 alleles (0.0035%); highest among the groups gnomAD compares: Admixed American, 0.005%; no homozygotes.

Submissions (5):

Labcorp Genetics (formerly Invitae), Labcorp
Classification: Likely benign for Aicardi-Goutieres syndrome 6; Symmetrical dyschromatosis of extremities. Last evaluated: 2025-12-29. Review status: criteria provided, single submitter. Criteria: Invitae Variant Classification Sherloc (09022015). Collection method: clinical testing. Allele origin: germline.

Blueprint Genetics
Classification: Likely benign. Last evaluated: 2024-07-18. Review status: criteria provided, single submitter. Criteria: ACMG Guidelines, 2015. Collection method: clinical testing. Allele origin: germline.

Genome-Nilou Lab
Classification: Likely benign for Aicardi-Goutieres syndrome 6. Last evaluated: 2023-04-11. Review status: criteria provided, single submitter. Criteria: ACMG Guidelines, 2015. Collection method: clinical testing. Allele origin: germline. Affected: no.

Illumina Laboratory Services, Illumina
Classification: Benign for Symmetrical dyschromatosis of extremities. Last evaluated: 2017-04-27. Review status: criteria provided, single submitter. Criteria: ICSL Variant Classification Criteria 13 December 2019. Collection method: clinical testing. Allele origin: germline.
Comment: This variant was observed as part of a predisposition screen in an ostensibly healthy population. A literature search was performed for the gene, cDNA change, and amino acid change (where applicable). No publications were found based on this search. Allele frequency data from public databases was too high to be consistent with this variant causing disease. Therefore, this variant is classified as benign.

PreventionGenetics, part of Exact Sciences
Classification: Likely benign for ADAR-related condition. Last evaluated: 2019-09-26. Review status: no assertion criteria provided. Collection method: clinical testing. Allele origin: germline. Not counted in ClinVar's aggregate classification.
Comment: This variant is classified as likely benign based on ACMG/AMP sequence variant interpretation guidelines (Richards et al. 2015 PMID: 25741868, with internal and published modifications).

NM_001111.5(ADAR):c.2319C>T (p.Cys773=)

Gene: ADAR (adenosine deaminase RNA specific; minus strand). Cytogenetic location: 1q21.3.
Variant type: single nucleotide variant.
Coding change: c.2319C>T on transcript NM_001111.5 (MANE Select); coding-DNA position 2319, C replaced by T.
Protein change: p.Cys773=; no amino-acid change (cysteine 773 retained).
Molecular consequence: synonymous variant.
Genome position (GRCh38, 1-based): chr1:154,590,361, G>A on the plus strand (C>T on the coding strand, the complement: ADAR is on the minus strand). VCF-style: chr1-154590361-G-A. GRCh37 (hg19) VCF-style: chr1-154562837-G-A.
Other names: c.1434C>T, p.Cys478= (NM_001025107.3, NM_001193495.2, NM_001365046.1 and 3 more transcripts); c.2346C>T, p.Cys782= (NM_001365045.1); c.2319C>T, p.Cys773= (NM_015840.4); c.2262C>T, p.Cys754= (NM_015841.4).
Identifiers: ClinVar variation 876409 (VCV000876409.16), dbSNP rs750666914, ClinGen allele CA1131316.
Genomic context (GRCh38, chr1:154,590,361, plus strand): 5'-AATCAAGACACGGAGAGCCGCATCTGCTGCTTCCTGCTTGCCTTGCTTCTTGCTGTGTGC[G>A]CAGACGGCTGGGAACCAGCGACCCCCAACTTTTGCTTGGTAAACGAACCTTTGGGATGAG-3'
Protein context (NP_001102.3, residues 763-783): KVGGRWFPAV[Cys773=]AHSKKQGKQE